The following is an entry in ClinVar:

ClinVar aggregate classification (germline): Uncertain significance. Review status: criteria provided, multiple submitters, no conflicts (2 of 4 stars). 2 submissions from 2 submitters: Uncertain significance (2). Last evaluated 2023-12-05.

Conditions:
Familial thoracic aortic aneurysm and aortic dissection (TAAD). Also called: Thoracic aortic aneurysms and dissections. Identifiers: Orphanet 91387, MedGen C4707243, MONDO:0019625.

gnomAD v4.1: 1 of 1,588,660 alleles (0.000063%); highest among the groups gnomAD compares: Non-Finnish European, 0.000086%; no homozygotes.

Submissions (2):

Color Diagnostics, LLC DBA Color Health
Classification: Uncertain significance for Familial thoracic aortic aneurysm and aortic dissection. Last evaluated: 2023-12-05. Review status: criteria provided, single submitter. Criteria: ACMG Guidelines, 2015. Collection method: clinical testing. Allele origin: germline.
Comment: Variant of Uncertain Significance due to insufficient evidence: This missense variant replaces leucine with valine at codon 1741 of the MYH11 protein. Computational prediction tools and conservation analyses suggest that this variant may have deleterious impact on the protein function. Computational splicing tools suggest that this variant may not impact RNA splicing. To our knowledge, functional assays have not been performed for this variant nor has this variant been reported in individuals affected with cardiovascular disorders in the literature. This variant is rare in the general population and has been identified in 0/277264 chromosomes by the Genome Aggregation Database (gnomAD). Available evidence is insufficient to determine the role of this variant in disease conclusively.

Ambry Genetics
Classification: Uncertain significance for Familial thoracic aortic aneurysm and aortic dissection. Last evaluated: 2021-07-14. Review status: criteria provided, single submitter. Criteria: Ambry Variant Classification Scheme 2023. Collection method: clinical testing. Allele origin: germline.

NM_002474.3(MYH11):c.5200C>G (p.Leu1734Val)

Genes: MYH11 (myosin heavy chain 11; minus strand), NDE1 (nudE neurodevelopment protein 1; plus strand). Cytogenetic location: 16p13.11.
Variant type: single nucleotide variant.
Coding change: c.5200C>G on transcript NM_002474.3 (MANE Select); coding-DNA position 5200, C replaced by G.
Protein change: p.Leu1734Val; replaces leucine 1734 with valine.
Molecular consequence: missense variant. On other transcripts: intron variant (2).
Genome position (GRCh38, 1-based): chr16:15,718,410, G>C on the plus strand (C>G on the coding strand, the complement: MYH11 is on the minus strand). VCF-style: chr16-15718410-G-C. GRCh37 (hg19) VCF-style: chr16-15812267-G-C.
Other names: c.5221C>G, p.Leu1741Val (NM_001040113.2, NM_001040114.2); c.5200C>G, p.Leu1734Val (NM_022844.3); c.948-5781G>C (NM_001143979.2, NM_017668.3); short protein forms L1734V, L1741V.
Identifiers: ClinVar variation 921026 (VCV000921026.7), dbSNP rs2040284764, ClinGen allele CA394850232.